The following is an entry in ClinVar:

ClinVar aggregate classification (germline): Uncertain significance (1 of 4 stars; one submission).

Conditions:
Cardiomyopathy (CMYO). Also called: Cardiomyopathies. Identifiers: Orphanet 167848, MedGen C0878544, MONDO:0004994, HP:0001638. Inheritance: Various modes of inheritance.

Submission:

Color Diagnostics, LLC DBA Color Health
Classification: Uncertain significance for Cardiomyopathy. Last evaluated: 2024-03-20. Review status: criteria provided, single submitter. Criteria: ACMG Guidelines, 2015. Collection method: clinical testing. Allele origin: germline.
Comment: This variant replaces two consecutive amino acids (Ala2148, Leu2149) with a glycine residue in exon 24 of the DSP protein. To our knowledge, functional studies have not been reported for this variant. This variant has not been reported in individuals affected with DSP-related disorders in the literature. This variant has not been identified in the general population by the Genome Aggregation Database (gnomAD). The available evidence is insufficient to determine the role of this variant in disease conclusively. Therefore, this variant is classified as a Variant of Uncertain Significance.

NM_004415.4(DSP):c.6443_6446delinsG (p.Ala2148_Leu2149delinsGly)

Gene: DSP (desmoplakin; plus strand). Cytogenetic location: 6p24.3.
Variant type: Indel.
Coding change: c.6443_6446delinsG on transcript NM_004415.4 (MANE Select); coding-DNA positions 6443 to 6446, CCTT replaced by G.
Protein change: p.Ala2148_Leu2149delinsGly.
Molecular consequence: inframe indel.
Genome position (GRCh38, 1-based): chr6:7,583,705-7,583,708, CCTT replaced by G. VCF-style: chr6-7583705-CCTT-G. GRCh37 (hg19) VCF-style: chr6-7583938-CCTT-G.
Other names: c.4646_4649delinsG, p.Ala1549_Leu1550delinsGly (NM_001008844.3); c.5114_5117delinsG, p.Ala1705_Leu1706delinsGly (NM_001319034.2).
Identifiers: ClinVar variation 3894321 (VCV003894321.1).